The following is an entry in ClinVar:

ClinVar aggregate classification (germline): Uncertain significance. Review status: criteria provided, multiple submitters, no conflicts (2 of 4 stars). 2 submissions from 2 submitters: Uncertain significance (2). Last evaluated 2024-04-10.

Conditions:
Renal tubular dysgenesis of genetic origin. Also called: PRIMITIVE RENAL TUBULE SYNDROME. Identifiers: Orphanet 97369, MedGen C5681536, MONDO:0009970, OMIM 267430.
Microvascular complications of diabetes, susceptibility to, 3. Identifiers: MedGen C2675470, MONDO:0012963, OMIM 612624.
Hemorrhage, intracerebral, susceptibility to (ICH). Also called: Stroke, hemorrhagic, susceptibility to. Identifiers: MedGen C3281105, MONDO:0100533, OMIM 614519.

Allele frequency attached by ClinVar (database versions not stated): gnomAD exomes 0.00002; ExAC 0.00005; TOPMed 0.00008; gnomAD 0.00009; ESP Exome Variant Server 0.00015.

Submissions (2):

Fulgent Genetics
Classification: Uncertain significance for Renal tubular dysgenesis of genetic origin; Microvascular complications of diabetes, susceptibility to, 3; Hemorrhage, intracerebral, susceptibility to. Last evaluated: 2024-04-10. Review status: criteria provided, single submitter. Criteria: ACMG Guidelines, 2015. Collection method: clinical testing. Allele origin: germline.

Labcorp Genetics (formerly Invitae), Labcorp
Classification: Uncertain significance. Last evaluated: 2022-04-21. Review status: criteria provided, single submitter. Criteria: Invitae Variant Classification Sherloc (09022015). Collection method: clinical testing. Allele origin: germline.
Comment: Algorithms developed to predict the effect of missense changes on protein structure and function are either unavailable or do not agree on the potential impact of this missense change (SIFT: "Deleterious"; PolyPhen-2: "Probably Damaging"; Align-GVGD: "Class C0"). In summary, the available evidence is currently insufficient to determine the role of this variant in disease. Therefore, it has been classified as a Variant of Uncertain Significance. Algorithms developed to predict the effect of sequence changes on RNA splicing suggest that this variant may create or strengthen a splice site. This variant has not been reported in the literature in individuals affected with ACE-related conditions. This variant is present in population databases (rs369022610, gnomAD 0.04%). This sequence change replaces arginine, which is basic and polar, with glutamine, which is neutral and polar, at codon 180 of the ACE protein (p.Arg180Gln).

NM_000789.4(ACE):c.539G>A (p.Arg180Gln)

Gene: ACE (angiotensin I converting enzyme; plus strand). Cytogenetic location: 17q23.3.
Variant type: single nucleotide variant.
Coding change: c.539G>A on transcript NM_000789.4 (MANE Select); coding-DNA position 539, G replaced by A.
Protein change: p.Arg180Gln; replaces arginine 180 with glutamine.
Molecular consequence: missense variant. On other transcripts: intron variant (2).
Genome position (GRCh38, 1-based): chr17:63,479,796, G>A. VCF-style: chr17-63479796-G-A. GRCh37 (hg19) VCF-style: chr17-61557157-G-A.
Other names: c.-197-541G>A (NM_001382701.1); c.183-541G>A (NM_001382700.1); short protein forms R180Q.
Identifiers: ClinVar variation 2155298 (VCV002155298.3), dbSNP rs369022610, ClinGen allele CA8699131.